The following is an entry in ClinVar:

ClinVar aggregate classification (germline): Uncertain significance (1 of 4 stars; one submission).

Allele frequency attached by ClinVar (database versions not stated): TOPMed below 0.00001.

Submission:

GeneDx
Classification: Uncertain significance. Last evaluated: 2021-06-21. Review status: criteria provided, single submitter. Criteria: GeneDx Variant Classification Process June 2021. Collection method: clinical testing. Allele origin: germline. Affected: yes.
Comment: Has not been previously published as pathogenic or benign to our knowledge; Not observed at significant frequency in large population cohorts (Lek et al., 2016); In silico analysis supports that this missense variant does not alter protein structure/function; This variant is associated with the following publications: (PMID: 27535533)

NM_014908.4(DOLK):c.508G>T (p.Val170Phe)

Gene: DOLK (dolichol kinase; minus strand). Cytogenetic location: 9q34.11.
Variant type: single nucleotide variant.
Coding change: c.508G>T on transcript NM_014908.4 (MANE Select); coding-DNA position 508, G replaced by T.
Protein change: p.Val170Phe; replaces valine 170 with phenylalanine.
Molecular consequence: missense variant.
Genome position (GRCh38, 1-based): chr9:128,946,796, C>A on the plus strand (G>T on the coding strand, the complement: DOLK is on the minus strand). VCF-style: chr9-128946796-C-A. GRCh37 (hg19) VCF-style: chr9-131709075-C-A.
Other names: short protein forms V170F.
Identifiers: ClinVar variation 1329820 (VCV001329820.2), dbSNP rs1841678355, ClinGen allele CA375125264.
Genomic context (GRCh38, chr9:128,946,796, plus strand): 5'-TGAAGCAGCGGGGCAGCAGGTACAGCAGGATCATGTTGAGATAAACGAAGATCAGAAGGA[C>A]TTCCAGGACTTCGATCACCTCCCCCACGCTCAACGAGTGCTTCATGATATAAATGATAAC-3'
Protein context (NP_055723.1, residues 160-180): SVGEVIEVLE[Val170Phe]LLIFVYLNMI